The following is an entry in ClinVar:

ClinVar aggregate classification (germline): Conflicting classifications of pathogenicity. Review status: criteria provided, conflicting classifications (1 of 4 stars). 7 submissions from 7 submitters: Uncertain significance (6); Likely benign (1). Last evaluated 2025-01-09.

Conditions:
Hyper-IgE recurrent infection syndrome 3, autosomal recessive. Also called: Autosomal recessive hyper-IgE syndrome due to ZNF341 deficiency; HYPER-IgE SYNDROME 3, AUTOSOMAL RECESSIVE, WITH RECURRENT INFECTIONS. Identifiers: Orphanet 641368, MedGen C4748969, MONDO:0032654, OMIM 618282.
DOCK8-related disorder. Also called: DOCK8-related condition.
Combined immunodeficiency due to DOCK8 deficiency (HIES2). Also called: HIES autosomal recessive; Hyper-IgE recurrent infection syndrome, autosomal recessive; DOCK8 Deficiency; HYPER-IgE RECURRENT INFECTION SYNDROME 2, AUTOSOMAL RECESSIVE; HYPER-IgE SYNDROME 2, AUTOSOMAL RECESSIVE, WITH RECURRENT INFECTIONS. Identifiers: Orphanet 217390, MedGen C4722305, MONDO:0009478, OMIM 243700.

Allele frequency attached by ClinVar (database versions not stated): ESP Exome Variant Server 0.00008; 1000 Genomes Project 30x 0.00016; TOPMed 0.00017.
gnomAD v4.1: 182 of 1,613,978 alleles (0.011%); highest among the groups gnomAD compares: Middle Eastern, 0.066%; no homozygotes.

Submissions (7):

PreventionGenetics, part of Exact Sciences
Classification: Uncertain significance for DOCK8-related condition. Last evaluated: 2025-01-09. Review status: criteria provided, single submitter. Criteria: ACMG Guidelines, 2015. Collection method: clinical testing. Allele origin: germline.
Comment: The DOCK8 c.2017A>T variant is predicted to result in the amino acid substitution p.Ile673Phe. To our knowledge, this variant has not been reported in the literature. This variant is reported in 0.026% of alleles in individuals of European (non-Finnish) descent in gnomAD. At this time, the clinical significance of this variant is uncertain due to the absence of conclusive functional and genetic evidence.

Blueprint Genetics
Classification: Uncertain significance. Last evaluated: 2024-11-11. Review status: criteria provided, single submitter. Criteria: ACMG Guidelines, 2015. Collection method: clinical testing. Allele origin: germline.

Labcorp Genetics (formerly Invitae), Labcorp
Classification: Uncertain significance for Combined immunodeficiency due to DOCK8 deficiency. Last evaluated: 2024-01-29. Review status: criteria provided, single submitter. Criteria: Invitae Variant Classification Sherloc (09022015). Collection method: clinical testing. Allele origin: germline.
Comment: This sequence change replaces isoleucine, which is neutral and non-polar, with phenylalanine, which is neutral and non-polar, at codon 673 of the DOCK8 protein (p.Ile673Phe). This variant is present in population databases (rs372858877, gnomAD 0.03%). This variant has not been reported in the literature in individuals affected with DOCK8-related conditions. ClinVar contains an entry for this variant (Variation ID: 228615). Advanced modeling of protein sequence and biophysical properties (such as structural, functional, and spatial information, amino acid conservation, physicochemical variation, residue mobility, and thermodynamic stability) performed at Invitae indicates that this missense variant is expected to disrupt DOCK8 protein function with a positive predictive value of 80%. In summary, the available evidence is currently insufficient to determine the role of this variant in disease. Therefore, it has been classified as a Variant of Uncertain Significance.

CeGaT Center for Human Genetics Tuebingen
Classification: Likely benign. Last evaluated: 2023-09-01. Review status: criteria provided, single submitter. Criteria: CeGaT Center For Human Genetics Tuebingen Variant Classification Criteria Version 2. Collection method: clinical testing. Allele origin: germline. Affected: yes. Observed: 1 variant allele.
Comment: DOCK8: BP4

Revvity Omics, Revvity
Classification: Uncertain significance for Combined immunodeficiency due to DOCK8 deficiency. Last evaluated: 2019-07-31. Review status: criteria provided, single submitter. Criteria: ACMG Guidelines, 2015. Collection method: clinical testing. Allele origin: germline.

GeneDx
Classification: Uncertain significance. Last evaluated: 2016-12-23. Review status: criteria provided, single submitter. Criteria: GeneDx Variant Classification (06012015). Collection method: clinical testing. Allele origin: germline. Affected: yes.
Comment: The I605F variant in the DOCK8 gene has not been reported previously as a pathogenic variant, nor as a benign variant, to our knowledge. The I605F variant was not observed at any significant frequency in approximately 6,500 individuals of European and African American ancestry by the NHLBI Exome Sequencing Project. The I605F variant is a conservative amino acid substitution, which is not likely to impact secondary protein structure as these residues share similar properties. This substitution occurs at a position where amino acids with similar properties to Isoleucine are tolerated across species. In silico analysis is inconsistent in its predictions as to whether or not the variant is damaging to the protein structure/function. We interpret I605F as a variant of uncertain significance.

Laboratory for Molecular Medicine, Mass General Brigham Personalized Medicine
Classification: Uncertain significance. Last evaluated: 2015-08-06. Review status: criteria provided, single submitter. Criteria: LMM Criteria. Collection method: clinical testing. Allele origin: germline. Observed: 1 variant allele.
Comment: Variant classified as Uncertain Significance - Favor Benign. The p.Ile673Phe var iant in DOCK8 has not been previously reported in individuals with pulmonary dis ease, but has been identified in 20/66678 European chromosomes by the Exome Aggr egation Consortium (ExAC; dbSNP rs372858877). Co mputational prediction tools and conservation analysis suggest that the p.Ile673 Phe variant may not impact the protein, though this information is not predictiv e enough to rule out pathogenicity. In summary, while the clinical significance of the p.Ile673Phe variant is uncertain, these data suggest that it is more like ly to be benign.

NM_203447.4(DOCK8):c.2017A>T (p.Ile673Phe)

Gene: DOCK8 (dedicator of cytokinesis 8; plus strand). Cytogenetic location: 9p24.3.
Variant type: single nucleotide variant.
Coding change: c.2017A>T on transcript NM_203447.4 (MANE Select); coding-DNA position 2017, A replaced by T.
Protein change: p.Ile673Phe; replaces isoleucine 673 with phenylalanine.
Molecular consequence: missense variant.
Genome position (GRCh38, 1-based): chr9:372,194, A>T. VCF-style: chr9-372194-A-T. GRCh37 (hg19) VCF-style: chr9-372194-A-T.
Other names: c.1813A>T, p.Ile605Phe (NM_001190458.2, NM_001193536.2); short protein forms I673F, I605F.
Identifiers: ClinVar variation 228615 (VCV000228615.41), dbSNP rs372858877, ClinGen allele CA4958048.